The following is an entry in ClinVar:

NM_006516.4(SLC2A1):c.1035G>A (p.Ala345=)

Gene: SLC2A1 (solute carrier family 2 member 1; minus strand). Cytogenetic location: 1p34.2.
Variant type: single nucleotide variant.
Coding change: c.1035G>A on transcript NM_006516.4 (MANE Select); coding-DNA position 1035, G replaced by A.
Protein change: p.Ala345=; no amino-acid change (alanine 345 retained).
Molecular consequence: synonymous variant.
Genome position (GRCh38, 1-based): chr1:42,928,971, C>T on the plus strand (G>A on the coding strand, the complement: SLC2A1 is on the minus strand). VCF-style: chr1-42928971-C-T. GRCh37 (hg19) VCF-style: chr1-43394642-C-T.
Identifiers: ClinVar variation 471342 (VCV000471342.12), dbSNP rs748617912, ClinGen allele CA803365.

ClinVar aggregate classification (germline): Conflicting classifications of pathogenicity. Review status: criteria provided, conflicting classifications (1 of 4 stars). 2 submissions from 2 submitters: Uncertain significance (1); Likely benign (1). Last evaluated 2026-03-01.

Conditions:
GLUT1 deficiency syndrome 1, autosomal recessive. Identifiers: MedGen C3149117.

Allele frequency attached by ClinVar (database versions not stated): TOPMed below 0.00001; gnomAD 0.00001; gnomAD exomes 0.00001; ExAC 0.00002.
gnomAD v4.1: 19 of 1,613,848 alleles (0.0012%); highest among the groups gnomAD compares: Non-Finnish European, 0.0016%; no homozygotes.

Submissions (2):

CeGaT Center for Human Genetics Tuebingen
Classification: Uncertain significance. Last evaluated: 2026-03-01. Review status: criteria provided, single submitter. Criteria: CeGaT Center For Human Genetics Tuebingen Variant Classification Criteria Version 2. Collection method: clinical testing. Allele origin: germline. Affected: yes. Observed: 1 variant allele.
Comment: SLC2A1: PM2:Supporting, BP4

Labcorp Genetics (formerly Invitae), Labcorp
Classification: Likely benign for GLUT1 deficiency syndrome 1, autosomal recessive. Last evaluated: 2025-12-17. Review status: criteria provided, single submitter. Criteria: Invitae Variant Classification Sherloc (09022015). Collection method: clinical testing. Allele origin: germline.